The following is an entry in ClinVar:

ClinVar aggregate classification (germline): Likely pathogenic (1 of 4 stars; one submission).

Submission:

Labcorp Genetics (formerly Invitae), Labcorp
Classification: Likely pathogenic. Last evaluated: 2025-04-03. Review status: criteria provided, single submitter. Criteria: Invitae Variant Classification Sherloc (09022015). Collection method: clinical testing. Allele origin: germline.
Comment: This variant results in the deletion of part of exon 4 (c.580-294_649del) of the MSH3 gene. It is expected to disrupt RNA splicing. Variants that disrupt the donor or acceptor splice site typically lead to a loss of protein function (PMID: 16199547), and loss-of-function variants in MSH3 are known to be pathogenic (PMID: 27476653, 37402566). This variant is not present in population databases (gnomAD no frequency). This variant has not been reported in the literature in individuals affected with MSH3-related conditions. ClinVar contains an entry for this variant (Variation ID: 856644). In summary, the currently available evidence indicates that the variant is pathogenic, but additional data are needed to prove that conclusively. Therefore, this variant has been classified as Likely Pathogenic.

Literature cited by the submitters: PubMed 16199547; PubMed 27476653; PubMed 37402566.

NM_002439.5(MSH3):c.580-294_649del

Gene: MSH3 (mutS homolog 3; plus strand). Cytogenetic location: 5q14.1.
Variant type: Deletion.
Coding change: c.580-294_649del on transcript NM_002439.5 (MANE Select); 294 bases into the intron before coding-DNA position 580 through coding-DNA position 649, 364 bases deleted.
Molecular consequence: splice acceptor variant.
Genome position (GRCh38, 1-based): chr5:80,669,803-80,670,166, 364 bases deleted. GRCh37 (hg19): chr5:79,965,622-79,965,985.
Identifiers: ClinVar variation 856644 (VCV000856644.7), dbSNP rs1749664308, ClinGen allele CA916082719.